The following is an entry in ClinVar:

ClinVar aggregate classification (germline): Benign/Likely benign. Review status: criteria provided, multiple submitters, no conflicts (2 of 4 stars). 12 submissions from 12 submitters: Benign (3); Likely benign (5). 4 of the submissions do not count toward it. Last evaluated 2026-09-01.

Conditions:
MTOR-related disorder. Also called: MTOR-related condition.

Allele frequency attached by ClinVar (database versions not stated): 1000 Genomes Project 0.00180; 1000 Genomes Project 30x 0.00203; gnomAD 0.00255 and 0.00262; gnomAD exomes 0.00264 and 0.00347; ExAC 0.00269; TOPMed 0.00280; ESP Exome Variant Server 0.00315.
gnomAD v4.1: 5,463 of 1,614,150 alleles (0.34%); highest among the groups gnomAD compares: Middle Eastern, 1.1%; 9 homozygotes.

Submissions (12):

CeGaT Center for Human Genetics Tuebingen
Classification: Likely benign. Last evaluated: 2026-09-01. Review status: criteria provided, single submitter. Criteria: CeGaT Center For Human Genetics Tuebingen Variant Classification Criteria Version 2. Collection method: clinical testing. Allele origin: germline. Affected: yes. Observed: 62 variant alleles.
Comment: MTOR: BS1

Labcorp Genetics (formerly Invitae), Labcorp
Classification: Likely benign. Last evaluated: 2026-01-28. Review status: criteria provided, single submitter. Criteria: Invitae Variant Classification Sherloc (09022015). Collection method: clinical testing. Allele origin: germline.

Genomic Medicine Center of Excellence, King Faisal Specialist Hospital and Research Centre
Classification: Likely benign. Last evaluated: 2025-08-18. Review status: criteria provided, single submitter. Criteria: ACMG Guidelines, 2015. Collection method: clinical testing. Allele origin: germline.

Blueprint Genetics
Classification: Likely benign. Last evaluated: 2024-11-26. Review status: criteria provided, single submitter. Criteria: ACMG Guidelines, 2015. Collection method: clinical testing. Allele origin: germline.

ARUP Laboratories, Molecular Genetics and Genomics, ARUP Laboratories
Classification: Benign. Last evaluated: 2023-09-12. Review status: criteria provided, single submitter. Criteria: ARUP Molecular Germline Variant Investigation Process 2024. Collection method: clinical testing. Allele origin: germline.

Mayo Clinic Laboratories, Mayo Clinic
Classification: Benign. Last evaluated: 2023-05-04. Review status: criteria provided, single submitter. Criteria: ACMG Guidelines, 2015. Collection method: clinical testing. Allele origin: germline. Observed: 4 variant alleles.
Comment: BS1, BS2, BP4

GeneDx
Classification: Benign. Last evaluated: 2018-11-12. Review status: criteria provided, single submitter. Criteria: GeneDx Variant Classification Process June 2021. Collection method: clinical testing. Allele origin: germline. Affected: yes.
Comment: This variant is associated with the following publications: (PMID: 31486992)

Breakthrough Genomics
Classification: Likely benign. Review status: criteria provided, single submitter. Criteria: ACMG Guidelines, 2015. Collection method: not provided. Allele origin: germline. Inheritance: Autosomal dominant inheritance. Affected: yes.

PreventionGenetics, part of Exact Sciences
Classification: Likely benign for MTOR-related condition. Last evaluated: 2019-10-11. Review status: no assertion criteria provided. Collection method: clinical testing. Allele origin: germline. Not counted in ClinVar's aggregate classification.
Comment: This variant is classified as likely benign based on ACMG/AMP sequence variant interpretation guidelines (Richards et al. 2015 PMID: 25741868, with internal and published modifications).

Diagnostic Laboratory, Department of Genetics, University Medical Center Groningen
Classification: Likely benign. Review status: no assertion criteria provided. Collection method: clinical testing. Allele origin: germline. Affected: yes. Study: VKGL Data-share Consensus. Not counted in ClinVar's aggregate classification.

Genome Diagnostics Laboratory, University Medical Center Utrecht
Classification: Likely benign. Review status: no assertion criteria provided. Collection method: clinical testing. Allele origin: germline. Affected: yes. Study: VKGL Data-share Consensus. Not counted in ClinVar's aggregate classification.

Laboratory of Diagnostic Genome Analysis, Leiden University Medical Center (LUMC)
Classification: Likely benign. Review status: no assertion criteria provided. Collection method: clinical testing. Allele origin: germline. Affected: yes. Study: VKGL Data-share Consensus. Not counted in ClinVar's aggregate classification.

NM_004958.4(MTOR):c.985G>A (p.Ala329Thr)

Gene: MTOR (mechanistic target of rapamycin kinase; minus strand). Cytogenetic location: 1p36.22.
Variant type: single nucleotide variant.
Coding change: c.985G>A on transcript NM_004958.4 (MANE Select); coding-DNA position 985, G replaced by A.
Protein change: p.Ala329Thr; replaces alanine 329 with threonine.
Molecular consequence: missense variant.
Genome position (GRCh38, 1-based): chr1:11,247,950, C>T on the plus strand (G>A on the coding strand, the complement: MTOR is on the minus strand). VCF-style: chr1-11247950-C-T. GRCh37 (hg19) VCF-style: chr1-11308007-C-T.
Other names: p.Ala329Thr; c.985G>A (LRG_734t1); short protein forms A329T.
Identifiers: ClinVar variation 414904 (VCV000414904.53), dbSNP rs35903812, ClinGen allele CA590835.
Genomic context (GRCh38, chr1:11,247,950, plus strand): 5'-GGGAGGTCCCAAATCCCATGAGGCCTTGGTGAGAGCTGTACCCCAGCAGCCCCACCAAGG[C>T]ATTTGACTGCTGGGGCTGTACAGCCTGGAAACTGGTGAAGGGGGTAATGTGACGAGGTTT-3'
Protein context (NP_004949.1, residues 319-339): FQAVQPQQSN[Ala329Thr]LVGLLGYSSH